The following is an entry in ClinVar:

NM_177438.3(DICER1):c.2689del (p.Met897fs)

Gene: DICER1 (dicer 1, ribonuclease III; minus strand). Cytogenetic location: 14q32.13.
Variant type: Deletion.
Coding change: c.2689del on transcript NM_177438.3 (MANE Select); coding-DNA position 2689, one base deleted (A; older notation c.2689delA).
Protein change: p.Met897fs; shifts the reading frame from methionine 897.
Molecular consequence: frameshift variant.
Genome position (GRCh38, 1-based): chr14:95,107,723, T deleted on the plus strand (A on the coding strand, the reverse complement: DICER1 is on the minus strand). VCF-style (leftmost placement, unchanged base first): chr14-95107722-AT-A. GRCh37 (hg19) VCF-style: chr14-95574059-AT-A.
Other names: c.2689del, p.Met897fs (NM_001195573.1, NM_001271282.3, NM_001291628.2 and 1 more transcripts); short protein forms M897fs.
Identifiers: ClinVar variation 1372490 (VCV001372490.7), dbSNP rs2140020153, ClinGen allele CA2573150469.

ClinVar aggregate classification (germline): Pathogenic (1 of 4 stars; one submission).

Conditions:
DICER1-related tumor predisposition. Also called: DICER1-related pleuropulmonary blastoma cancer predisposition syndrome; DICER1 syndrome. Identifiers: Orphanet 284343, MedGen C3839822, MONDO:0100216.

Submission:

Labcorp Genetics (formerly Invitae), Labcorp
Classification: Pathogenic for DICER1-related tumor predisposition. Last evaluated: 2021-08-06. Review status: criteria provided, single submitter. Criteria: Invitae Variant Classification Sherloc (09022015). Collection method: clinical testing. Allele origin: germline.
Comment: For these reasons, this variant has been classified as Pathogenic. This variant has not been reported in the literature in individuals affected with DICER1-related conditions. This variant is not present in population databases (ExAC no frequency). This sequence change creates a premature translational stop signal (p.Met897Trpfs*11) in the DICER1 gene. It is expected to result in an absent or disrupted protein product. Loss-of-function variants in DICER1 are known to be pathogenic (PMID: 19556464, 21266384).

Literature cited by the submitters: PubMed 19556464; PubMed 21266384.